The following is an entry in ClinVar:

ClinVar aggregate classification (germline): Uncertain significance (1 of 4 stars; one submission).

Submission:

Labcorp Genetics (formerly Invitae), Labcorp
Classification: Uncertain significance. Last evaluated: 2026-01-24. Review status: criteria provided, single submitter. Criteria: Invitae Variant Classification Sherloc (09022015). Collection method: clinical testing. Allele origin: germline.
Comment: This sequence change replaces isoleucine, which is neutral and non-polar, with serine, which is neutral and polar, at codon 315 of the FBLN5 protein (p.Ile315Ser). Information on the frequency of this variant in the gnomAD database is not available, as this variant may be reported differently in the database. This variant has not been reported in the literature in individuals affected with FBLN5-related conditions. An algorithm developed to predict the effect of missense changes on protein structure and function (PolyPhen-2) suggests that this variant is likely to be tolerated. In summary, the available evidence is currently insufficient to determine the role of this variant in disease. Therefore, it has been classified as a Variant of Uncertain Significance.

NM_006329.4(FBLN5):c.944_945delinsGC (p.Ile315Ser)

Gene: FBLN5 (fibulin 5; minus strand). Cytogenetic location: 14q32.12.
Variant type: Indel.
Coding change: c.944_945delinsGC on transcript NM_006329.4 (MANE Select); coding-DNA positions 944 to 945, TT replaced by GC.
Protein change: p.Ile315Ser; replaces isoleucine 315 with serine.
Molecular consequence: missense variant.
Genome position (GRCh38, 1-based): chr14:91,881,336-91,881,337, AA replaced by GC on the plus strand (TT replaced by GC on the coding strand, the reverse complement: FBLN5 is on the minus strand). VCF-style: chr14-91881336-AA-GC. GRCh37 (hg19) VCF-style: chr14-92347680-AA-GC.
Other names: c.1067_1068delinsGC, p.Ile356Ser (NM_001384158.1); c.995_996delinsGC, p.Ile332Ser (NM_001384159.1); c.944_945delinsGC, p.Ile315Ser (NM_001384160.1); c.776_777delinsGC, p.Ile259Ser (NM_001384161.1, NM_001384162.1); short protein forms I356S, I332S, I259S, I315S.
Identifiers: ClinVar variation 4704642 (VCV004704642.1).